The following is an entry in ClinVar:

ClinVar aggregate classification (germline): Uncertain significance. Review status: criteria provided, multiple submitters, no conflicts (2 of 4 stars). 2 submissions from 2 submitters: Uncertain significance (2). Last evaluated 2025-02-04.

Conditions:
Inborn genetic diseases. Identifiers: MedGen C0950123, MeSH D030342.

Allele frequency attached by ClinVar (database versions not stated): gnomAD exomes 0.00001; ExAC 0.00002.
gnomAD v4.1: 9 of 1,613,800 alleles (0.00056%); highest among the groups gnomAD compares: East Asian, 0.0022%; no homozygotes.

Submissions (2):

Ambry Genetics
Classification: Uncertain significance for Inborn genetic diseases. Last evaluated: 2025-02-04. Review status: criteria provided, single submitter. Criteria: Ambry Variant Classification Scheme 2023. Collection method: clinical testing. Allele origin: germline.

Labcorp Genetics (formerly Invitae), Labcorp
Classification: Uncertain significance. Last evaluated: 2024-11-06. Review status: criteria provided, single submitter. Criteria: Invitae Variant Classification Sherloc (09022015). Collection method: clinical testing. Allele origin: germline.
Comment: This sequence change replaces threonine, which is neutral and polar, with methionine, which is neutral and non-polar, at codon 522 of the MYSM1 protein (p.Thr522Met). This variant is present in population databases (rs766852339, gnomAD 0.003%). This variant has not been reported in the literature in individuals affected with MYSM1-related conditions. ClinVar contains an entry for this variant (Variation ID: 1460996). Invitae Evidence Modeling of protein sequence and biophysical properties (such as structural, functional, and spatial information, amino acid conservation, physicochemical variation, residue mobility, and thermodynamic stability) indicates that this missense variant is expected to disrupt MYSM1 protein function with a positive predictive value of 80%. In summary, the available evidence is currently insufficient to determine the role of this variant in disease. Therefore, it has been classified as a Variant of Uncertain Significance.

NM_001085487.3(MYSM1):c.1565C>T (p.Thr522Met)

Gene: MYSM1 (Myb like, SWIRM and MPN domains 1; minus strand). Cytogenetic location: 1p32.1.
Variant type: single nucleotide variant.
Coding change: c.1565C>T on transcript NM_001085487.3 (MANE Select); coding-DNA position 1565, C replaced by T.
Protein change: p.Thr522Met; replaces threonine 522 with methionine.
Molecular consequence: missense variant.
Genome position (GRCh38, 1-based): chr1:58,673,580, G>A on the plus strand (C>T on the coding strand, the complement: MYSM1 is on the minus strand). VCF-style: chr1-58673580-G-A. GRCh37 (hg19) VCF-style: chr1-59139252-G-A.
Other names: c.1565C>T (NM_001085487.2); short protein forms T522M.
Identifiers: ClinVar variation 1460996 (VCV001460996.7), dbSNP rs766852339, ClinGen allele CA877765.
Genomic context (GRCh38, chr1:58,673,580, plus strand): 5'-ATATATTTAAAAACCAGTTTTCATGGATGAGCCATTTGAAAGGTCAAAGTTACCTCAAAC[G>A]TTTGTCCTTCTAAGTCCTTTGCATCACACCAGTTTCCCCATGGGTCTCGGACCCTACGTC-3'
Protein context (NP_001078956.1, residues 512-532): WCDAKDLEGQ[Thr522Met]FEHLSAEELA